The following is an entry in ClinVar:

ClinVar aggregate classification (germline): Uncertain significance (1 of 4 stars; one submission).

Conditions:
HSD17B4-related disorder. Also called: HSD17B4-related condition; HSD17B4-related disorders.

gnomAD v4.1: 2 of 1,613,654 alleles (0.00012%); highest among the groups gnomAD compares: Admixed American, 0.0033%; no homozygotes.

Submission:

PreventionGenetics, part of Exact Sciences
Classification: Uncertain significance for HSD17B4-related condition. Last evaluated: 2026-04-28. Review status: criteria provided, single submitter. Criteria: ACMG Guidelines, 2015. Collection method: clinical testing. Allele origin: germline.
Comment: The HSD17B4 c.1862A>G variant is predicted to result in the amino acid substitution p.Lys621Arg. To our knowledge, this variant has not been reported in the literature. This variant is reported in 0.0058% of alleles in individuals of Latino descent in gnomAD. At this time, the clinical significance of this variant is uncertain due to the absence of conclusive functional and genetic evidence.

NM_000414.4(HSD17B4):c.1862A>G (p.Lys621Arg)

Gene: HSD17B4 (hydroxysteroid 17-beta dehydrogenase 4; plus strand). Cytogenetic location: 5q23.1.
Variant type: single nucleotide variant.
Coding change: c.1862A>G on transcript NM_000414.4 (MANE Select); coding-DNA position 1862, A replaced by G.
Protein change: p.Lys621Arg; replaces lysine 621 with arginine.
Molecular consequence: missense variant. On other transcripts: non-coding transcript variant (2).
Genome position (GRCh38, 1-based): chr5:119,531,273, A>G. VCF-style: chr5-119531273-A-G. GRCh37 (hg19) VCF-style: chr5-118866968-A-G.
Other names: c.1937A>G, p.Lys646Arg (NM_001199291.3); c.1808A>G, p.Lys603Arg (NM_001199292.2); c.1790A>G, p.Lys597Arg (NM_001292027.2, NM_001374498.1); c.1442A>G, p.Lys481Arg (NM_001292028.2); c.1853A>G, p.Lys618Arg (NM_001374497.1); c.1535A>G, p.Lys512Arg (NM_001374499.1); c.1421A>G, p.Lys474Arg (NM_001374500.1); c.1451A>G, p.Lys484Arg (NM_001374501.1, NM_001374502.1, NM_001374503.1); short protein forms K597R, K646R, K474R, K484R, K621R, K481R, K618R, K512R.
Identifiers: ClinVar variation 4978869 (VCV004978869.1).